The following is an entry in ClinVar:

ClinVar aggregate classification (germline): Uncertain significance. Review status: criteria provided, multiple submitters, no conflicts (2 of 4 stars). 6 submissions from 6 submitters: Uncertain significance (6). Last evaluated 2025-06-26.

Conditions:
Hypertrophic cardiomyopathy. Also called: HYPERTROPHIC MYOCARDIOPATHY. Identifiers: Orphanet 217569, MedGen C0007194, MeSH D002312, MONDO:0005045, HP:0001639.
Cardiomyopathy (CMYO). Also called: Cardiomyopathies. Identifiers: Orphanet 167848, MedGen C0878544, MONDO:0004994, HP:0001638. Inheritance: Various modes of inheritance.
Cardiovascular phenotype. Identifiers: MedGen CN230736.

Allele frequency attached by ClinVar (database versions not stated): TOPMed 0.00001; gnomAD 0.00002.
gnomAD v4.1: 10 of 1,614,028 alleles (0.00062%); highest among the groups gnomAD compares: East Asian, 0.0045%; no homozygotes.

Submissions (6):

Ambry Genetics
Classification: Uncertain significance for Cardiovascular phenotype. Last evaluated: 2025-06-26. Review status: criteria provided, single submitter. Criteria: Ambry Variant Classification Scheme 2023. Collection method: clinical testing. Allele origin: germline.
Comment: The p.R1588C variant (also known as c.4762C>T), located in coding exon 32 of the MYH7 gene, results from a C to T substitution at nucleotide position 4762. The arginine at codon 1588 is replaced by cysteine, an amino acid with highly dissimilar properties. This amino acid position is highly conserved in available vertebrate species. In addition, this alteration is predicted to be deleterious by in silico analysis. Based on the available evidence, the clinical significance of this variant remains unclear.

GeneDx
Classification: Uncertain significance. Last evaluated: 2025-03-20. Review status: criteria provided, single submitter. Criteria: GeneDx Variant Classification Process June 2021. Collection method: clinical testing. Allele origin: germline. Affected: yes.
Comment: Reported in a child with a ventricular septal defect and dysmorphic facial features (PMID: 33448881); Not observed at significant frequency in large population cohorts (gnomAD); In silico analysis supports that this missense variant has a deleterious effect on protein structure/function; This variant is associated with the following publications: (PMID: 34503678, 33448881)

Labcorp Genetics (formerly Invitae), Labcorp
Classification: Uncertain significance for Hypertrophic cardiomyopathy. Last evaluated: 2024-11-19. Review status: criteria provided, single submitter. Criteria: Invitae Variant Classification Sherloc (09022015). Collection method: clinical testing. Allele origin: germline.
Comment: This sequence change replaces arginine, which is basic and polar, with cysteine, which is neutral and slightly polar, at codon 1588 of the MYH7 protein (p.Arg1588Cys). This variant is not present in population databases (gnomAD no frequency). This missense change has been observed in individual(s) with clinical features of MYH7-related conditions (PMID: 34503678). ClinVar contains an entry for this variant (Variation ID: 943200). Invitae Evidence Modeling of protein sequence and biophysical properties (such as structural, functional, and spatial information, amino acid conservation, physicochemical variation, residue mobility, and thermodynamic stability) indicates that this missense variant is expected to disrupt MYH7 protein function with a positive predictive value of 95%. In summary, the available evidence is currently insufficient to determine the role of this variant in disease. Therefore, it has been classified as a Variant of Uncertain Significance.

All of Us Research Program, National Institutes of Health
Classification: Uncertain significance for Cardiomyopathy. Last evaluated: 2023-12-13. Review status: criteria provided, single submitter. Criteria: ACMG Guidelines, 2015. Collection method: clinical testing. Allele origin: germline. Inheritance: Autosomal dominant inheritance. Observed: 1 variant allele, 1 heterozygote.
Comment: This missense variant replaces arginine with cysteine at codon 1588 of the MYH7 protein. Computational prediction suggests that this variant may have deleterious impact on protein structure and function. To our knowledge, functional studies have not been reported for this variant. This variant has been reported in one individual who was affected with non-syndromic congenital heart disease (PMID: 33448881). This variant has not been identified in the general population by the Genome Aggregation Database (gnomAD). The available evidence is insufficient to determine the role of this variant in disease conclusively. Therefore, this variant is classified as a Variant of Uncertain Significance.

This study involves interpretation of variants in research participants for the purpose of population health screening. Participant phenotype was not available at the time of variant classification. Additional details can be found in publication PMID: 35346344, PMCID: PMC8962531

Color Diagnostics, LLC DBA Color Health
Classification: Uncertain significance for Cardiomyopathy. Last evaluated: 2023-11-15. Review status: criteria provided, single submitter. Criteria: ACMG Guidelines, 2015. Collection method: clinical testing. Allele origin: germline.
Comment: This missense variant replaces arginine with cysteine at codon 1588 of the MYH7 protein. Computational prediction suggests that this variant may have deleterious impact on protein structure and function. To our knowledge, functional studies have not been reported for this variant. This variant has been reported in one individual who was affected with non-syndromic congenital heart disease (PMID: 33448881). This variant has not been identified in the general population by the Genome Aggregation Database (gnomAD). The available evidence is insufficient to determine the role of this variant in disease conclusively. Therefore, this variant is classified as a Variant of Uncertain Significance.

Women's Health and Genetics/Laboratory Corporation of America, LabCorp
Classification: Uncertain significance. Last evaluated: 2021-11-29. Review status: criteria provided, single submitter. Criteria: LabCorp Variant Classification Summary - May 2015. Collection method: clinical testing. Allele origin: germline.
Comment: Variant summary: MYH7 c.4762C>T (p.Arg1588Cys) results in a non-conservative amino acid change located in the Myosin tail domain (IPR002928) of the encoded protein sequence. Five of five in-silico tools predict a damaging effect of the variant on protein function. The variant was absent in 251474 control chromosomes (gnomAD). The available data on variant occurrences in the general population are insufficient to allow any conclusion about variant significance. c.4762C>T has been observed in one individual affected with nonsyndromic congenital heart disease (echo diagnosis: ventricular septal defect) (Ekure_2021). This report does not provide unequivocal conclusions about association of the variant with Cardiomyopathy. To our knowledge no experimental evidence demonstrating its impact on protein function have been reported. One clinical diagnostic laboratory has submitted clinical-significance assessments for this variant to ClinVar after 2014 and classified the variant as uncertain significance. Based on the evidence outlined above, the variant was classified as uncertain significance.

Literature cited by the submitters: PubMed 34503678 (cited by Labcorp Genetics (formerly Invitae), Labcorp); PubMed 33448881 (cited by 3 submitters).

NM_000257.4(MYH7):c.4762C>T (p.Arg1588Cys)

Genes: MHRT (myosin heavy chain associated RNA transcript; plus strand), MYH7 (myosin heavy chain 7; minus strand), LOC126861897 (BRD4-independent group 4 enhancer GRCh37_chr14:23884455-23885654; plus strand). Cytogenetic location: 14q11.2.
Variant type: single nucleotide variant.
Coding change: c.4762C>T on transcript NM_000257.4 (MANE Select); coding-DNA position 4762, C replaced by T.
Protein change: p.Arg1588Cys; replaces arginine 1588 with cysteine.
Molecular consequence: missense variant. On other transcripts: non-coding transcript variant (1).
Genome position (GRCh38, 1-based): chr14:23,416,195, G>A on the plus strand (C>T on the coding strand, the complement: MYH7 is on the minus strand). VCF-style: chr14-23416195-G-A. GRCh37 (hg19) VCF-style: chr14-23885404-G-A.
Other names: c.4762C>T (NM_000257.2); short protein forms R1588C.
Identifiers: ClinVar variation 943200 (VCV000943200.17), dbSNP rs1194197356, ClinGen allele CA389037681.